The following is an entry in ClinVar:

ClinVar aggregate classification (germline): Uncertain significance (1 of 4 stars; one submission).

Conditions:
Asphyxiating thoracic dystrophy 3. Also called: SHORT-RIB THORACIC DYSPLASIA 3 WITH OR WITHOUT POLYDACTYLY; POLYDACTYLY WITH NEONATAL CHONDRODYSTROPHY, TYPE I; SHORT-RIB THORACIC DYSPLASIA 3/6 WITH POLYDACTYLY, DIGENIC; Short rib polydactyly syndrome 2B; Saldino-Noonan Syndrome. Identifiers: Orphanet 474, Orphanet 93269, Orphanet 93270, Orphanet 93271, MedGen C0036069, MONDO:0013127, OMIM 613091.

gnomAD v4.1: 3 of 1,612,754 alleles (0.00019%); highest among the groups gnomAD compares: East Asian, 0.0067%; no homozygotes.

Submission:

Daryl Scott Lab, Baylor College of Medicine
Classification: Uncertain significance for Asphyxiating thoracic dystrophy 3. Last evaluated: 2025-08-25. Review status: criteria provided, single submitter. Criteria: ACMG Guidelines, 2015. Collection method: clinical testing. Allele origin: paternal. Affected: yes. Observed: 1 compound heterozygote.
Comment: PM2, PM3

NM_001377.3(DYNC2H1):c.11209C>T (p.Leu3737Phe)

Gene: DYNC2H1 (dynein cytoplasmic 2 heavy chain 1; plus strand). Cytogenetic location: 11q22.3.
Variant type: single nucleotide variant.
Coding change: c.11209C>T on transcript NM_001377.3 (MANE Select); coding-DNA position 11209, C replaced by T.
Protein change: p.Leu3737Phe; replaces leucine 3737 with phenylalanine.
Molecular consequence: missense variant.
Genome position (GRCh38, 1-based): chr11:103,303,206, C>T. VCF-style: chr11-103303206-C-T. GRCh37 (hg19) VCF-style: chr11-103173935-C-T.
Other names: c.11230C>T, p.Leu3744Phe (NM_001080463.2); short protein forms L3737F, L3744F.
Identifiers: ClinVar variation 4279681 (VCV004279681.1).
Genomic context (GRCh38, chr11:103,303,206, plus strand): 5'-ACACTGGAAATTGAACCCATCTTGATAATTATTTCTCCGGGTGCTGATCCTTCTCAGGAA[C>T]TTCAAGAACTAGCTAATGCTGAAAGAAGCGGAGAGTGTTATCACCAGGTAAGTACATATT-3'
Protein context (NP_001368.2, residues 3727-3747): ISPGADPSQE[Leu3737Phe]QELANAERSG